The following is an entry in ClinVar:

ClinVar aggregate classification (germline): Benign/Likely benign. Review status: criteria provided, multiple submitters, no conflicts (2 of 4 stars). 3 submissions from 3 submitters: Benign (1); Likely benign (2). Last evaluated 2026-04-29.

Conditions:
Colorectal cancer, hereditary nonpolyposis, type 7. Identifiers: Orphanet 144, MedGen C1858380, MONDO:0013725, OMIM 614385.

Allele frequency attached by ClinVar (database versions not stated): gnomAD 0.00001 and 0.00002; gnomAD exomes below 0.00001; TOPMed 0.00001.
gnomAD v4.1: 11 of 1,613,504 alleles (0.00068%); highest among the groups gnomAD compares: African/African-American, 0.0053%; no homozygotes.

Submissions (3):

Myriad Genetics, Inc.
Classification: Benign for Colorectal cancer, hereditary nonpolyposis, type 7. Last evaluated: 2026-04-29. Review status: criteria provided, single submitter. Criteria: Myriad Autosomal Dominant, Autosomal Recessive and X-Linked Classification Criteria (2023). Collection method: clinical testing. Allele origin: unknown.
Comment: This variant is considered benign. This variant is a silent/synonymous amino acid change and it is not expected to impact splicing.

Labcorp Genetics (formerly Invitae), Labcorp
Classification: Likely benign for Colorectal cancer, hereditary nonpolyposis, type 7. Last evaluated: 2022-08-30. Review status: criteria provided, single submitter. Criteria: Invitae Variant Classification Sherloc (09022015). Collection method: clinical testing. Allele origin: germline.

Ambry Genetics
Classification: Likely benign. Last evaluated: 2019-12-22. Review status: criteria provided, single submitter. Criteria: Ambry Variant Classification Scheme 2023. Collection method: clinical testing. Allele origin: germline.

NM_001040108.2(MLH3):c.744T>C (p.Asn248=)

Gene: MLH3 (mutL homolog 3; minus strand). Cytogenetic location: 14q24.3.
Variant type: single nucleotide variant.
Coding change: c.744T>C on transcript NM_001040108.2 (MANE Select); coding-DNA position 744, T replaced by C.
Protein change: p.Asn248=; no amino-acid change (asparagine 248 retained).
Molecular consequence: synonymous variant.
Genome position (GRCh38, 1-based): chr14:75,048,912, A>G on the plus strand (T>C on the coding strand, the complement: MLH3 is on the minus strand). VCF-style: chr14-75048912-A-G. GRCh37 (hg19) VCF-style: chr14-75515615-A-G.
Other names: c.744T>C, p.Asn248= (NM_014381.3).
Identifiers: ClinVar variation 1549450 (VCV001549450.11), dbSNP rs377173323, ClinGen allele CA263653489.
Genomic context (GRCh38, chr14:75,048,912, plus strand): 5'-AATGAGTTTATGTAGCTTTGTCCTTAAAACTAGTCTTTTGTTCACAAACAAAAACTGCAT[A>G]TTCTTGTTGTAATGTGCTTCAGAGCTGATATAGCCACTAAGCTCAAACTCTTTATATTTA-3'
Protein context (NP_001035197.1, residues 238-258): YISSEAHYNK[Asn248=]MQFLFVNKRL